The following is an entry in ClinVar:

NM_000293.3(PHKB):c.405+1G>T

Gene: PHKB (phosphorylase kinase regulatory subunit beta; plus strand). Cytogenetic location: 16q12.1.
Variant type: single nucleotide variant.
Coding change: c.405+1G>T on transcript NM_000293.3 (MANE Select); the canonical splice donor site of the intron after coding-DNA position 405, G replaced by T.
Molecular consequence: splice donor variant.
Genome position (GRCh38, 1-based): chr16:47,503,091, G>T. VCF-style: chr16-47503091-G-T. GRCh37 (hg19) VCF-style: chr16-47537002-G-T.
Other names: c.384+1G>T (NM_001031835.3); c.405+1G>T (NM_001363837.1).
Identifiers: ClinVar variation 2671631 (VCV002671631.1), dbSNP rs1314795030, ClinGen allele CA396099131.

ClinVar aggregate classification (germline): Likely pathogenic (1 of 4 stars; one submission).

Conditions:
Glycogen storage disease IXb (GSD9B). Also called: PHOSPHORYLASE KINASE DEFICIENCY OF LIVER AND MUSCLE, AUTOSOMAL RECESSIVE; GLYCOGENOSIS OF LIVER AND MUSCLE, AUTOSOMAL RECESSIVE; GSD IXb. Identifiers: Orphanet 79240, MedGen C0543514, MONDO:0009868, OMIM 261750.

Submission:

Neuberg Centre For Genomic Medicine, NCGM
Classification: Likely pathogenic for Glycogen storage disease IXb. Last evaluated: 2023-02-14. Review status: criteria provided, single submitter. Criteria: ACMG Guidelines, 2015. Collection method: clinical testing. Allele origin: germline. Inheritance: Autosomal recessive inheritance. Affected: yes.
Comment: The splice donor c.405+1G>T variant in PHKB gene has not been reported previously as a pathogenic variant nor as a benign variant, to our knowledge. This variant is novel (not in any individuals) in gnomAD Exomes and 1000 Genomes. The variant affects the GT donor splice site downstream of exon 4. This variant is predicted to cause loss of normal protein function through protein truncation. Loss of function variants have been previously reported to be disease causing. For these reasons, this variant has been classified as Likely Pathogenic.